The following is an entry in ClinVar:

ClinVar aggregate classification (germline): Uncertain significance (1 of 4 stars; one submission).

Conditions:
EPHX1-related disorder. Also called: EPHX1-related condition.

gnomAD v4.1: 13 of 1,613,864 alleles (0.00081%); highest among the groups gnomAD compares: East Asian, 0.0045%; no homozygotes.

Submission:

PreventionGenetics, part of Exact Sciences
Classification: Uncertain significance for EPHX1-related condition. Last evaluated: 2026-03-30. Review status: criteria provided, single submitter. Criteria: ACMG Guidelines, 2015. Collection method: clinical testing. Allele origin: germline.
Comment: The EPHX1 c.1013G>A variant is predicted to result in the amino acid substitution p.Arg338Gln. To our knowledge, this variant has not been reported in the literature. This variant is reported in 0.0054% of alleles in individuals of East Asian descent in gnomAD. At this time, the clinical significance of this variant is uncertain due to the absence of conclusive functional and genetic evidence.

NM_001136018.4(EPHX1):c.1013G>A (p.Arg338Gln)

Genes: EPHX1 (epoxide hydrolase 1; plus strand), TMEM63A (transmembrane protein 63A; minus strand). Cytogenetic location: 1q42.12.
Variant type: single nucleotide variant.
Coding change: c.1013G>A on transcript NM_001136018.4 (MANE Select); coding-DNA position 1013, G replaced by A.
Protein change: p.Arg338Gln; replaces arginine 338 with glutamine.
Molecular consequence: missense variant. On other transcripts: non-coding transcript variant (3).
Genome position (GRCh38, 1-based): chr1:225,842,447, G>A. VCF-style: chr1-225842447-G-A. GRCh37 (hg19) VCF-style: chr1-226030148-G-A.
Other names: c.1013G>A, p.Arg338Gln (NM_000120.4, NM_001291163.2, NM_001378426.1 and 1 more transcripts); c.986G>A, p.Arg329Gln (NM_001378428.1); c.965G>A, p.Arg322Gln (NM_001378429.1, NM_001378430.1); c.785G>A, p.Arg262Gln (NM_001378431.1); c.446G>A, p.Arg149Gln (NM_001378432.1); short protein forms R149Q, R262Q, R322Q, R329Q, R338Q.
Identifiers: ClinVar variation 4983809 (VCV004983809.1).